The following is an entry in ClinVar:

ClinVar aggregate classification (germline): Uncertain significance (1 of 4 stars; one submission).

Conditions:
Immunodeficiency. Identifiers: MedGen C0021051, MONDO:0021094, HP:0002721.

Submission:

Labcorp Genetics (formerly Invitae), Labcorp
Classification: Uncertain significance for Immunodeficiency. Last evaluated: 2025-08-09. Review status: criteria provided, single submitter. Criteria: Invitae Variant Classification Sherloc (09022015). Collection method: clinical testing. Allele origin: germline.
Comment: This sequence change replaces serine, which is neutral and polar, with cysteine, which is neutral and slightly polar, at codon 617 of the NFAT5 protein (p.Ser617Cys). This variant is not present in population databases (gnomAD no frequency). This variant has not been reported in the literature in individuals affected with NFAT5-related conditions. An algorithm developed to predict the effect of missense changes on protein structure and function (PolyPhen-2) suggests that this variant is likely to be disruptive. In summary, the available evidence is currently insufficient to determine the role of this variant in disease. Therefore, it has been classified as a Variant of Uncertain Significance.

NM_138713.4(NFAT5):c.2132C>G (p.Ser711Cys)

Gene: NFAT5 (nuclear factor of activated T cells 5; plus strand). Cytogenetic location: 16q22.1.
Variant type: single nucleotide variant.
Coding change: c.2132C>G on transcript NM_138713.4 (MANE Select); coding-DNA position 2132, C replaced by G.
Protein change: p.Ser711Cys; replaces serine 711 with cysteine.
Molecular consequence: missense variant.
Genome position (GRCh38, 1-based): chr16:69,691,957, C>G. VCF-style: chr16-69691957-C-G. GRCh37 (hg19) VCF-style: chr16-69725860-C-G.
Other names: c.2129C>G, p.Ser710Cys (NM_001113178.3); c.1457C>G, p.Ser486Cys (NM_001367709.1); c.2078C>G, p.Ser693Cys (NM_006599.4); c.1850C>G, p.Ser617Cys (NM_138714.4, NM_173214.3, NM_173215.3); short protein forms S486C, S617C, S693C, S710C, S711C.
Identifiers: ClinVar variation 4809736 (VCV004809736.1).